The following is an entry in ClinVar:

ClinVar aggregate classification (germline): Uncertain significance (1 of 4 stars; one submission).

gnomAD v4.1: 6 of 1,613,976 alleles (0.00037%); highest among the groups gnomAD compares: Non-Finnish European, 0.00051%; no homozygotes.

Submission:

GeneDx
Classification: Uncertain significance. Last evaluated: 2024-09-30. Review status: criteria provided, single submitter. Criteria: GeneDx Variant Classification Process June 2021. Collection method: clinical testing. Allele origin: germline. Affected: yes.
Comment: Not observed at significant frequency in large population cohorts (gnomAD); In silico analysis supports that this missense variant has a deleterious effect on protein structure/function; Has not been previously published as pathogenic or benign to our knowledge

NM_001923.5(DDB1):c.1214C>T (p.Pro405Leu)

Gene: DDB1 (damage specific DNA binding protein 1; minus strand). Cytogenetic location: 11q12.2.
Variant type: single nucleotide variant.
Coding change: c.1214C>T on transcript NM_001923.5 (MANE Select); coding-DNA position 1214, C replaced by T.
Protein change: p.Pro405Leu; replaces proline 405 with leucine.
Molecular consequence: missense variant.
Genome position (GRCh38, 1-based): chr11:61,321,606, G>A on the plus strand (C>T on the coding strand, the complement: DDB1 is on the minus strand). VCF-style: chr11-61321606-G-A. GRCh37 (hg19) VCF-style: chr11-61089078-G-A.
Other names: short protein forms P405L.
Identifiers: ClinVar variation 3776540 (VCV003776540.1).